The following is an entry in ClinVar:

ClinVar aggregate classification (germline): Pathogenic (1 of 4 stars; one submission).

Conditions:
Renal tubular acidosis with progressive nerve deafness. Also called: RENAL TUBULAR ACIDOSIS, AUTOSOMAL RECESSIVE, WITH PROGRESSIVE NERVE DEAFNESS; RTA WITH PROGRESSIVE NERVE DEAFNESS; Distal Renal Tubular Acidosis with Progressive Sensorineural Deafness; renal tubular acidosis, distal, 2, with progressive sensorineural hearing loss. Identifiers: MedGen C0403554, MONDO:0009968, OMIM 267300.

Submission:

Myriad Genetics, Inc.
Classification: Pathogenic for Renal tubular acidosis with progressive nerve deafness. Last evaluated: 2024-05-14. Review status: criteria provided, single submitter. Criteria: Myriad Autosomal Dominant, Autosomal Recessive and X-Linked Classification Criteria (2023). Collection method: clinical testing. Allele origin: unknown.
Comment: NM_001692.3(ATP6V1B1):c.615dupG(L206Afs*13) is expected to be pathogenic in the context of distal renal tubular acidosis with deafness, ATP6V1B1-related. This variant is predicted to lead to an abnormal or absent protein product due to the creation of a premature termination codon in ATP6V1B1, a gene where loss-of-function variants are known to be pathogenic. Please note: this variant was assessed in the context of healthy population screening.

NM_001692.4(ATP6V1B1):c.615dup (p.Leu206fs)

Gene: ATP6V1B1 (ATPase H+ transporting V1 subunit B1; plus strand). Cytogenetic location: 2p13.3.
Variant type: Duplication.
Coding change: c.615dup on transcript NM_001692.4 (MANE Select); coding-DNA position 615, one base duplicated (G; older notation c.615dupG).
Protein change: p.Leu206fs; shifts the reading frame from leucine 206.
Molecular consequence: frameshift variant.
Genome position (GRCh38, 1-based): chr2:70,960,950, G duplicated; the last of 4 consecutive G bases (chr2:70,960,947-70,960,950); duplicating any one gives the same sequence. VCF-style (leftmost placement, unchanged base first): chr2-70960946-C-CG. GRCh37 (hg19) VCF-style: chr2-71188076-C-CG.
Other names: short protein forms L206fs.
Identifiers: ClinVar variation 5010820 (VCV005010820.1).